The following is an entry in ClinVar:

ClinVar aggregate classification (germline): Uncertain significance (1 of 4 stars; one submission).

Conditions:
Vissers-Bodmer syndrome. Identifiers: MedGen C5436647, MONDO:0033618, OMIM 619033.

gnomAD v4.1: 2 of 1,613,900 alleles (0.00012%); highest among the groups gnomAD compares: South Asian, 0.0011%; no homozygotes.

Submission:

Neuberg Centre For Genomic Medicine, NCGM
Classification: Uncertain significance for Vissers-Bodmer syndrome. Last evaluated: 2023-06-02. Review status: criteria provided, single submitter. Criteria: ACMG Guidelines, 2015. Collection method: clinical testing. Allele origin: germline. Inheritance: Autosomal dominant inheritance. Affected: yes.
Comment: The observed missense variant c.334T>C(p.Phe112Leu) in CNOT1 gene has not been reported previously as a pathogenic variant nor as a benign variant, to our knowledge. The (p.Phe112Leu) variant is absent in gnomAD Exomes.The amino acid Phenyl alanine at position 112 is changed to a Leucine changing protein sequence and it might alter its composition and physico-chemical properties. Computational evidence (Polyphen-Benign, SIFT-Tolerated and Mutation Taster-Disease causing) predicts conflicting evidence on protein structure and function for this variant.The reference amino acid p.Phe112Leu in CNOT1 is predicted as conserved by GERP++ and PhyloP across 100 vertebrates. For these reasons, this variant has been classified as Uncertain Significance.

NM_016284.5(CNOT1):c.334T>C (p.Phe112Leu)

Gene: CNOT1 (CCR4-NOT transcription complex subunit 1; minus strand). Cytogenetic location: 16q21.
Variant type: single nucleotide variant.
Coding change: c.334T>C on transcript NM_016284.5 (MANE Select); coding-DNA position 334, T replaced by C.
Protein change: p.Phe112Leu; replaces phenylalanine 112 with leucine.
Molecular consequence: missense variant. On other transcripts: non-coding transcript variant (1).
Genome position (GRCh38, 1-based): chr16:58,587,389, A>G on the plus strand (T>C on the coding strand, the complement: CNOT1 is on the minus strand). VCF-style: chr16-58587389-A-G. GRCh37 (hg19) VCF-style: chr16-58621293-A-G.
Other names: c.334T>C, p.Phe112Leu (NM_001265612.2, NM_206999.3); short protein forms F112L.
Identifiers: ClinVar variation 3362855 (VCV003362855.3).